The following is an entry in ClinVar:

ClinVar aggregate classification (germline): Pathogenic (1 of 4 stars; one submission).

Conditions:
Usher syndrome type 1 (USH1). Also called: RETINITIS PIGMENTOSA AND CONGENITAL DEAFNESS. Identifiers: Orphanet 231169, Orphanet 886, MedGen C1568247, MONDO:0010168, OMIM 276900.

gnomAD v4.1: 1 of 1,590,930 alleles (0.000063%); highest among the groups gnomAD compares: South Asian, 0.0012%; no homozygotes.

Submission:

Myriad Genetics, Inc.
Classification: Pathogenic for Usher syndrome type 1. Last evaluated: 2025-08-26. Review status: criteria provided, single submitter. Criteria: Myriad Autosomal Dominant, Autosomal Recessive and X-Linked Classification Criteria (2023). Collection method: clinical testing. Allele origin: unknown.
Comment: NM_000260.3(MYO7A):c.6408T>G(Y2136*) is a nonsense variant classified as pathogenic in the context of MYO7A-related disorders. Y2136* has been observed in a case with relevant disease (PMID: 33835720). Relevant functional assessments of this variant are not available in the literature. Y2136* has not been observed in referenced population frequency databases. In summary, NM_000260.3(MYO7A):c.6408T>G(Y2136*) is a nonsense variant in a gene where loss of function is a known mechanism of disease, is predicted to disrupt protein function, and has been observed more frequently in cases with the relevant disease than in healthy populations. Please note: this variant was assessed in the context of healthy population screening.

Literature cited by the submitters: PubMed 33835720.

NM_000260.4(MYO7A):c.6408T>G (p.Tyr2136Ter)

Gene: MYO7A (myosin VIIA; plus strand). Cytogenetic location: 11q13.5.
Variant type: single nucleotide variant.
Coding change: c.6408T>G on transcript NM_000260.4 (MANE Select); coding-DNA position 6408, T replaced by G.
Protein change: p.Tyr2136Ter; replaces tyrosine 2136 with a stop codon.
Molecular consequence: nonsense.
Genome position (GRCh38, 1-based): chr11:77,213,005, T>G. VCF-style: chr11-77213005-T-G. GRCh37 (hg19) VCF-style: chr11-76924050-T-G.
Other names: c.6288T>G, p.Tyr2096Ter (NM_001127180.2); c.6261T>G, p.Tyr2087Ter (NM_001369365.1); short protein forms Y2136*, Y2096*, Y2087*.
Identifiers: ClinVar variation 5003488 (VCV005003488.1).